The following is an entry in ClinVar:

ClinVar aggregate classification (germline): Uncertain significance (1 of 4 stars; one submission).

Conditions:
Intellectual developmental disorder, X-linked, syndromic, Raymond type. Also called: Syndromic X-linked intellectual disability Raymond type. Identifiers: MedGen C3275406, MONDO:0010427, OMIM 300799.

Submission:

Labcorp Genetics (formerly Invitae), Labcorp
Classification: Uncertain significance for Intellectual developmental disorder, X-linked, syndromic, Raymond type. Last evaluated: 2025-04-21. Review status: criteria provided, single submitter. Criteria: Invitae Variant Classification Sherloc (09022015). Collection method: clinical testing. Allele origin: germline.
Comment: This sequence change replaces phenylalanine, which is neutral and non-polar, with serine, which is neutral and polar, at codon 215 of the ZDHHC9 protein (p.Phe215Ser). This variant is not present in population databases (gnomAD no frequency). This variant has not been reported in the literature in individuals affected with ZDHHC9-related conditions. Invitae Evidence Modeling of protein sequence and biophysical properties (such as structural, functional, and spatial information, amino acid conservation, physicochemical variation, residue mobility, and thermodynamic stability) indicates that this missense variant is not expected to disrupt ZDHHC9 protein function with a negative predictive value of 80%. In summary, the available evidence is currently insufficient to determine the role of this variant in disease. Therefore, it has been classified as a Variant of Uncertain Significance.

NM_016032.4(ZDHHC9):c.644T>C (p.Phe215Ser)

Gene: ZDHHC9 (zDHHC palmitoyltransferase 9; minus strand). Cytogenetic location: Xq26.1.
Variant type: single nucleotide variant.
Coding change: c.644T>C on transcript NM_016032.4 (MANE Select); coding-DNA position 644, T replaced by C.
Protein change: p.Phe215Ser; replaces phenylalanine 215 with serine.
Molecular consequence: missense variant.
Genome position (GRCh38, 1-based): chrX:129,813,707, A>G on the plus strand (T>C on the coding strand, the complement: ZDHHC9 is on the minus strand). VCF-style: chrX-129813707-A-G. GRCh37 (hg19) VCF-style: chrX-128947683-A-G.
Other names: c.644T>C, p.Phe215Ser (NM_001008222.3); short protein forms F215S.
Identifiers: ClinVar variation 4744866 (VCV004744866.1).